The following is an entry in ClinVar:

ClinVar aggregate classification (germline): Uncertain significance (1 of 4 stars; one submission).

Submission:

GeneDx
Classification: Uncertain significance. Last evaluated: 2026-02-28. Review status: criteria provided, single submitter. Criteria: GeneDx Variant Classification Process June 2021. Collection method: clinical testing. Allele origin: germline.
Comment: Not observed at significant frequency in large population cohorts (gnomAD); In silico analysis suggests that this missense variant does not alter protein structure/function; Has not been previously published as pathogenic or benign to our knowledge

NM_001042750.2(STAG2):c.3637A>T (p.Met1213Leu)

Gene: STAG2 (STAG2 cohesin complex component; plus strand). Cytogenetic location: Xq25.
Variant type: single nucleotide variant.
Coding change: c.3637A>T on transcript NM_001042750.2 (MANE Select); coding-DNA position 3637, A replaced by T.
Protein change: p.Met1213Leu; replaces methionine 1213 with leucine.
Molecular consequence: missense variant.
Genome position (GRCh38, 1-based): chrX:124,094,076, A>T. VCF-style: chrX-124094076-A-T. GRCh37 (hg19) VCF-style: chrX-123227926-A-T.
Other names: c.3637A>T, p.Met1213Leu (NM_001042749.2, NM_001375366.1, NM_001375367.1 and 8 more transcripts); c.3526A>T, p.Met1176Leu (NM_001042751.2, NM_001282418.2, NM_001375373.1 and 12 more transcripts); short protein forms M1176L, M1213L.
Identifiers: ClinVar variation 5010009 (VCV005010009.1).